The following continues an entry in ClinVar:

NM_000256.3(MYBPC3):c.772G>A (p.Glu258Lys)

Gene: MYBPC3. ClinVar aggregate classification (germline): Pathogenic/Likely pathogenic. Pathogenic (35); Likely pathogenic (1).

Submissions 9 to 19 of 40:

Dasa
Classification: Pathogenic. Last evaluated: 2025-01-31. Review status: criteria provided, single submitter. Criteria: DASA Assertion Criteria. Collection method: clinical testing. Allele origin: germline.
Comment: NM_000256.3(MYBPC3):c.772G>A (p.Glu258Lys) is a missense variant that results in the substitution of glutamic acid with lysine. Segregation evidence has been reported in affected families. Functional evidence supports a deleterious effect on the gene or gene product (PMID: 15769446; PMID: 19590044; PMID: 25031304; PMID: 20359594; PMID: 9562578). This variant has been recurrently observed in individuals with related phenotype (PMID: 15769446; PMID: 19590044; PMID: 25031304; PMID: 20359594; PMID: 9562578). Multiple computational predictions support a deleterious effect on the gene or gene product. The variant is present at low frequency in population datasets. Based on the available data, this variant is classified as pathogenic.

Blueprint Genetics
Classification: Pathogenic for MYBPC3-related disorders. Last evaluated: 2024-10-23. Review status: criteria provided, single submitter. Criteria: ACMG Guidelines, 2015. Collection method: clinical testing. Allele origin: germline. Affected: yes. Observed: 5 variant alleles.

Molecular Diagnostic Laboratory for Inherited Cardiovascular Disease, Montreal Heart Institute
Classification: Pathogenic for Cardiovascular phenotype. Last evaluated: 2024-09-11. Review status: criteria provided, single submitter. Criteria: ACMG Guidelines, 2015. Collection method: clinical testing. Allele origin: germline. Affected: yes.
Comment: PVS1, PS3, PS4, PP1_strong, PM2

All of Us Research Program, National Institutes of Health
Classification: Pathogenic for Hypertrophic cardiomyopathy. Last evaluated: 2024-06-09. Review status: criteria provided, single submitter. Criteria: ACMG Guidelines, 2015. Collection method: clinical testing. Allele origin: germline. Inheritance: Autosomal dominant inheritance. Observed: 6 variant alleles, 6 heterozygotes.
Comment: This variant alters the conserved c.G nucleotide at the last nucleotide position of exon 6 in the MyBP-C motif of the MYBPC3 gene. RNA studies using blood and myocardial samples from carriers have shown that this variant causes out-of-frame skipping of exon 6, resulting in premature truncation (PMID: 15114369, 19574547, 25031304, 30645170). A study using engineered mouse cardiac tissue has shown that this variant disrupts the interaction between MYBPC3 and myosin protein and accelerates contractile kinetics (PMID: 23980194). In a knock-in mouse model, this variant causes left ventricular hypertrophy and reduced fractional shortening, consistent with hypertrophic cardiomyopathy phenotype (PMID: 19590044). This variant has been reported in over 50 individuals affected with hypertrophic cardiomyopathy from various populations (PMID: 12707239, 12951062, 12974739, 14563344, 15563892, 16858239, 18533079, 19808356, 19574547, 23233322, 30645170, 34680864, 37498360, Marschall et al., 2019) and is particularly common in the Italian population (PMID: 16858239, 18533079). This variant has been shown to segregate with disease in a family study (PMID: 9562578). This variant has been identified in 6/272910 chromosomes in the general population by the Genome Aggregation Database (gnomAD). Loss of MYBPC3 function is a known mechanism of disease. Based on the available evidence, this variant is classified as Pathogenic.

This study involves interpretation of variants in research participants for the purpose of population health screening. Participant phenotype was not available at the time of variant classification. Additional details can be found in publication PMID: 35346344, PMCID: PMC8962531

Color Diagnostics, LLC DBA Color Health
Classification: Pathogenic for Cardiomyopathy. Last evaluated: 2024-04-12. Review status: criteria provided, single submitter. Criteria: ACMG Guidelines, 2015. Collection method: clinical testing. Allele origin: germline.
Comment: This variant alters the conserved c.G nucleotide at the last nucleotide position of exon 6 in the MyBP-C motif of the MYBPC3 gene. RNA studies using blood and myocardial samples from carriers have shown that this variant causes out-of-frame skipping of exon 6, resulting in premature truncation (PMID: 15114369, 19574547, 25031304, 30645170). A study using engineered mouse cardiac tissue has shown that this variant disrupts the interaction between MYBPC3 and myosin protein and accelerates contractile kinetics (PMID: 23980194). In a knock-in mouse model, this variant causes left ventricular hypertrophy and reduced fractional shortening, consistent with hypertrophic cardiomyopathy phenotype (PMID: 19590044). This variant has been reported in over 50 individuals affected with hypertrophic cardiomyopathy from various populations (PMID: 12707239, 12951062, 12974739, 14563344, 15563892, 16858239, 18533079, 19808356, 19574547, 23233322, 30645170, 34680864, 37498360, Marschall et al., 2019) and is particularly common in the Italian population (PMID: 16858239, 18533079). This variant has been shown to segregate with disease in a family study (PMID: 9562578). This variant has been identified in 6/272910 chromosomes in the general population by the Genome Aggregation Database (gnomAD). Loss of MYBPC3 function is a known mechanism of disease. Based on the available evidence, this variant is classified as Pathogenic.

Institute of Human Genetics, University of Leipzig Medical Center
Classification: Pathogenic for Hypertrophic cardiomyopathy 4. Last evaluated: 2023-12-07. Review status: criteria provided, single submitter. Criteria: ACMG Guidelines, 2015. Collection method: clinical testing. Allele origin: unknown. Inheritance: Autosomal dominant inheritance. Affected: yes.
Comment: Criteria applied: PS3,PS4,PM5

Genetics and Molecular Pathology, SA Pathology
Classification: Pathogenic for Hypertrophic cardiomyopathy. Last evaluated: 2023-06-14. Review status: criteria provided, single submitter. Criteria: ACMG Guidelines, 2015. Collection method: clinical testing. Allele origin: germline. Affected: yes.
Comment: The MYBPC3 c.772G>A variant is classified as Pathogenic (PS3, PS4) MYBPC3 c.772G>A is a single nucleotide variant located at the last nucleotide of exon 6/35 of the MYBPC3 gene which is predicted to change the amino acid glutamic acid at position 258 in the protein to lysine. The variant has been reported in excess of 70 probands with a clinical presentation of hypertrophic cardiomyopathy (PS4) and is reported to segregate with disease in multiple families (PMID#9562578, 16858239). Well-established functional studies show this variant impacts splicing, resulting in a deletion of exon 6 and downstream truncation of the MYBPC3 protein (PMID#3980194, 25031304, 28679633, 30645170, 34097875, 19590044) (PS3). This variant has been reported in dbSNP (rs397516074), reported as disease causing in the HGMD database (CM981322) and is reported as Pathogenic/Likely pathogenic by other diagnostic laboratories (ClinVar Variation ID: 42792).

CHEO Genetics Diagnostic Laboratory, Children's Hospital of Eastern Ontario
Classification: Pathogenic for Cardiomyopathy. Last evaluated: 2023-05-30. Review status: criteria provided, single submitter. Criteria: ACMG Guidelines, 2015. Collection method: clinical testing. Allele origin: germline.

Illumina Laboratory Services, Illumina
Classification: Pathogenic for Hypertrophic cardiomyopathy 4. Last evaluated: 2023-05-02. Review status: criteria provided, single submitter. Criteria: ICSLVariantClassificationCriteria RUGD 01 April 2020. Collection method: clinical testing. Allele origin: unknown.
Comment: The MYBPC3 c.772G>A (p.Glu258Lys) missense variant results in the substitution of glutamic acid at amino acid position 258 with lysine. Across a selection of the available literature, this variant has been identified in a heterozygous state in greater than 50 unrelated individuals with hypertrophic cardiomyopathy (PMID: 18533079; PMID: 27532257). The highest frequency of this allele in the Genome Aggregation Database is 0.00004410 in the European (non-Finnish) population (version 3.1.2). This variant's nucleotide position coincides with a canonical splice donor site. Functional experiments using patient tissues have demonstrated an effect on splicing that leads to skipping of exon 6, which results in nonsense-mediated mRNA decay due to a premature stop codon (PMID: 15114369; PMID: 19574547). In addition, transgenic rescue experiments performed in cultured murine cardiomyocytes have demonstrated reduced contractile force and altered contractile kinetics due to the presence of the p.Glu258Lys variant independent of any effects on splicing (PMID: 23980194). A knock-in mouse carrying this variant has been developed and displays the hallmark phenotype of hypertrophic cardiomyopathy (PMID: 19590044). Based on the available evidence, the c.772G>A (p.Glu258Lys) variant is classified as pathogenic for hypertrophic cardiomyopathy.

New York Genome Center
Classification: Pathogenic for Hypertrophic cardiomyopathy 4; Left ventricular noncompaction 10. Last evaluated: 2022-09-21. Review status: criteria provided, single submitter. Criteria: NYGC Assertion Criteria 2020. Collection method: clinical testing. Allele origin: germline. Affected: yes. Observed: 1 heterozygote.
Comment: The c.772G>A variant in MYBPC3 has previously been reported in individuals with noncompaction cardiomyopathy [PMID:29447731], hypertrophic cardiomyopathy [PMID:15114369,25031304, 22267749, 23233322, 30645170, 30972196], and was found to segregate in many additional affected family members [PMID:9562578]. This variant has been deposited in ClinVar [ClinVar ID: 42792] as Pathogenic/Likely Pathogenic. The c.772G>A variant is observed in 17 alleles (0.0021% minor allele frequency with 0 homozygotes) in population databases (gnomAD v2.1.1 and v3.1.2, TOPMed Freeze 8, All of Us), suggesting it is not a common benign variant in the populations represented in those databases. The c.772G>A variant in MYBPC3 is located in exon 6 of this 35-exon gene and is predicted to replace a moderately conserved glutamic acid with lysine amino acid at position 285 p.(Arg123Gln) in the phosphorylation domain of the c1 motif of the encoded protein [PMID:28658286,23233322, 15114369]. In addition, the c.772G>A variant is located one nucleotide away from the exon-intron junction of exon 6, therefore it may also affect the splicing. In vitro functional RNA studies using blood and myocardial samples have shown to cause out-of-frame skipping of exon 6, resulting in premature truncation cells carrying c.772G>A variant [PMID: 15114369, 25031304, 30645170]. Besides, this variant has demonstrated to alter protein interactions, contractile kinetics and caused left ventricular hypertrophy, reduced fractional shortening consistent with hypertrophic cardiomyopathy phenotype in mouse models [PMID: 19590044]. In silico predictions are inconclusive for p.(Arg123Gln) variant's effect [(CADD v1.6 = 51, REVEL = 0.616)]. Based on available evidence, this c.772G>A p.(Glu258Lys) variant identified in MYBPC3 is classified as Pathogenic.

Clinical Genetics Laboratory, Skane University Hospital Lund
Classification: Pathogenic. Last evaluated: 2022-07-29. Review status: criteria provided, single submitter. Criteria: ACMG Guidelines, 2015. Collection method: clinical testing. Allele origin: germline. Affected: yes.